The following is an entry in ClinVar:

NM_000053.4(ATP7B):c.3671G>T (p.Arg1224Leu)

Gene: ATP7B (ATPase copper transporting beta; minus strand). Cytogenetic location: 13q14.3.
Variant type: single nucleotide variant.
Coding change: c.3671G>T on transcript NM_000053.4 (MANE Select); coding-DNA position 3671, G replaced by T.
Protein change: p.Arg1224Leu; replaces arginine 1224 with leucine.
Molecular consequence: missense variant.
Genome position (GRCh38, 1-based): chr13:51,939,079, C>A on the plus strand (G>T on the coding strand, the complement: ATP7B is on the minus strand). VCF-style: chr13-51939079-C-A. GRCh37 (hg19) VCF-style: chr13-52513215-C-A.
Other names: c.3050G>T, p.Arg1017Leu (NM_001005918.3); c.3338G>T, p.Arg1113Leu (NM_001243182.2); c.3437G>T, p.Arg1146Leu (NM_001330578.2); c.3419G>T, p.Arg1140Leu (NM_001330579.2); short protein forms R1224L, R1113L, R1140L, R1017L, R1146L.
Identifiers: ClinVar variation 632662 (VCV000632662.36), dbSNP rs532177115, ClinGen allele CA6988612.
Genomic context (GRCh38, chr13:51,939,079, plus strand): 5'-TTTACACAGTTTGCAACATTAAAGGGCTGTACCTGGGTGGCAATAGCTCTGGCTGTCTTC[C>A]GGTTGTCCCCCGTGATCAGAACCACGTCCACACCCATGCTCTGCAGCGTGTGCACAGCCA-3'
Protein context (NP_000044.2, residues 1214-1234): VDVVLITGDN[Arg1224Leu]KTARAIATQV

ClinVar aggregate classification (germline): Uncertain significance. Review status: criteria provided, multiple submitters, no conflicts (2 of 4 stars). 10 submissions from 10 submitters: Uncertain significance (9). 1 of the submissions does not count toward it. Last evaluated 2025-09-15.

Conditions:
Wilson disease (WND). Also called: Wilson's disease. Identifiers: Orphanet 905, MedGen C0019202, MONDO:0010200, OMIM 277900. Disease mechanism: loss of function.

Allele frequency attached by ClinVar (database versions not stated): gnomAD 0.00006; TOPMed 0.00012.
gnomAD v4.1: 187 of 1,614,108 alleles (0.012%); highest among the groups gnomAD compares: Non-Finnish European, 0.014%; no homozygotes.

Submissions (10):

Women's Health and Genetics/Laboratory Corporation of America, LabCorp
Classification: Uncertain significance. Last evaluated: 2025-09-15. Review status: criteria provided, single submitter. Criteria: LabCorp Variant Classification Summary - May 2015. Collection method: clinical testing. Allele origin: germline.
Comment: Variant summary: ATP7B c.3671G>T (p.Arg1224Leu) results in a non-conservative amino acid change in the encoded protein sequence. Algorithms developed to predict the effect of missense changes on protein structure and function all suggest that this variant is likely to be disruptive. The variant allele was found at a frequency of 9.2e-05 in 249586 control chromosomes. This frequency is not significantly higher than estimated for disease-causing variants in ATP7B, allowing no conclusion about variant significance. c.3671G>T has been observed in individuals affected with or suspected of Wilson Disease (e.g. Stalke_2018, Klippel_2025). However, these reports do not provide unequivocal conclusions about association of the variant with Wilson Disease. To our knowledge, no experimental evidence demonstrating an impact on protein function has been reported. The following publications have been ascertained in the context of this evaluation (PMID: 28776642, 39846592). ClinVar contains an entry for this variant (Variation ID: 632662). Based on the evidence outlined above, the variant was classified as uncertain significance.

Color Diagnostics, LLC DBA Color Health
Classification: Uncertain significance for Wilson disease. Last evaluated: 2025-06-05. Review status: criteria provided, single submitter. Criteria: ACMG Guidelines, 2015. Collection method: clinical testing. Allele origin: germline.
Comment: This missense variant replaces arginine with leucine at codon 1224 of the ATP7B protein. Computational prediction suggests that this variant may have deleterious impact on protein structure and function. To our knowledge, functional studies have not been reported for this variant. This variant has been reported in child affected with liver disease symptoms that do not suggest Wilson disease (PMID: 28776642). This variant has been identified in 25/280998 chromosomes in the general population by the Genome Aggregation Database (gnomAD). The available evidence is insufficient to determine the role of this variant in disease conclusively. Therefore, this variant is classified as a Variant of Uncertain Significance.

All of Us Research Program, National Institutes of Health
Classification: Uncertain significance for Wilson disease. Last evaluated: 2024-09-23. Review status: criteria provided, single submitter. Criteria: ACMG Guidelines, 2015. Collection method: clinical testing. Allele origin: germline. Inheritance: Autosomal recessive inheritance. Observed: 48 variant alleles, 48 heterozygotes.
Comment: This missense variant replaces arginine with leucine at codon 1224 of the ATP7B protein. Computational prediction suggests that this variant may have deleterious impact on protein structure and function (internally defined REVEL score threshold >= 0.7, PMID: 27666373). To our knowledge, functional studies have not been reported for this variant. This variant has been reported with a co-occurring variant in an individual exhibiting atypical symptoms for Wilson Disease (PMID: 28776642). This variant has been identified in 25/280998 chromosomes in the general population by the Genome Aggregation Database (gnomAD). The available evidence is insufficient to determine the role of this variant in disease conclusively. Therefore, this variant is classified as a Variant of Uncertain Significance.

This study involves interpretation of variants in research participants for the purpose of population health screening. Participant phenotype was not available at the time of variant classification. Additional details can be found in publication PMID: 35346344, PMCID: PMC8962531

GeneDx
Classification: Uncertain significance. Last evaluated: 2024-08-08. Review status: criteria provided, single submitter. Criteria: GeneDx Variant Classification Process June 2021. Collection method: clinical testing. Allele origin: germline. Affected: yes.
Comment: Identified in a patient with steatosis hepatitis who was also heterozygous for a likely benign variant in ATP7B; this patient also had normal ceruloplasmin and urinary copper (PMID: 28776642); Not observed at significant frequency in large population cohorts (gnomAD); In silico analysis supports that this missense variant has a deleterious effect on protein structure/function; This variant is associated with the following publications: (PMID: 30097039, 28776642)

Labcorp Genetics (formerly Invitae), Labcorp
Classification: Uncertain significance for Wilson disease. Last evaluated: 2024-01-19. Review status: criteria provided, single submitter. Criteria: Invitae Variant Classification Sherloc (09022015). Collection method: clinical testing. Allele origin: germline.
Comment: This sequence change replaces arginine, which is basic and polar, with leucine, which is neutral and non-polar, at codon 1224 of the ATP7B protein (p.Arg1224Leu). This variant is present in population databases (rs532177115, gnomAD 0.01%). This missense change has been observed in individual(s) with clinical features of ATP7B-related conditions (PMID: 28776642). ClinVar contains an entry for this variant (Variation ID: 632662). Advanced modeling of protein sequence and biophysical properties (such as structural, functional, and spatial information, amino acid conservation, physicochemical variation, residue mobility, and thermodynamic stability) performed at Invitae indicates that this missense variant is not expected to disrupt ATP7B protein function with a negative predictive value of 80%. In summary, the available evidence is currently insufficient to determine the role of this variant in disease. Therefore, it has been classified as a Variant of Uncertain Significance.

Fulgent Genetics
Classification: Uncertain significance for Wilson disease. Last evaluated: 2023-12-26. Review status: criteria provided, single submitter. Criteria: ACMG Guidelines, 2015. Collection method: clinical testing. Allele origin: germline.

Revvity Omics, Revvity
Classification: Uncertain significance for Wilson disease. Last evaluated: 2023-04-04. Review status: criteria provided, single submitter. Criteria: ACMG Guidelines, 2015. Collection method: clinical testing. Allele origin: germline.

Genome-Nilou Lab
Classification: Uncertain significance for Wilson disease. Last evaluated: 2021-09-05. Review status: criteria provided, single submitter. Criteria: ACMG Guidelines, 2015. Collection method: clinical testing. Allele origin: germline. Affected: no.

Illumina Laboratory Services, Illumina
Classification: Uncertain significance for Wilson disease. Last evaluated: 2018-01-13. Review status: criteria provided, single submitter. Criteria: ICSL Variant Classification Criteria 13 December 2019. Collection method: clinical testing. Allele origin: germline.

Natera, Inc.
Classification: Uncertain significance for Wilson disease. Last evaluated: 2020-02-16. Review status: no assertion criteria provided. Collection method: clinical testing. Allele origin: germline. Not counted in ClinVar's aggregate classification.

Literature cited by the submitters: PubMed 28776642 (cited by 4 submitters); PubMed 39846592 (cited by Women's Health and Genetics/Laboratory Corporation of America, LabCorp).